The following is an entry in ClinVar:

ClinVar aggregate classification (germline): Uncertain significance (1 of 4 stars; one submission).

Submission:

Labcorp Genetics (formerly Invitae), Labcorp
Classification: Uncertain significance. Last evaluated: 2022-03-03. Review status: criteria provided, single submitter. Criteria: Invitae Variant Classification Sherloc (09022015). Collection method: clinical testing. Allele origin: germline.
Comment: In summary, the available evidence is currently insufficient to determine the role of this variant in disease. Therefore, it has been classified as a Variant of Uncertain Significance. Advanced modeling of protein sequence and biophysical properties (such as structural, functional, and spatial information, amino acid conservation, physicochemical variation, residue mobility, and thermodynamic stability) performed at Invitae indicates that this missense variant is not expected to disrupt KCNV2 protein function. This variant has not been reported in the literature in individuals affected with KCNV2-related conditions. This variant is not present in population databases (gnomAD no frequency). This sequence change replaces glycine, which is neutral and non-polar, with aspartic acid, which is acidic and polar, at codon 295 of the KCNV2 protein (p.Gly295Asp).

NM_133497.4(KCNV2):c.884G>A (p.Gly295Asp)

Gene: KCNV2 (potassium voltage-gated channel modifier subfamily V member 2; plus strand). Cytogenetic location: 9p24.2.
Variant type: single nucleotide variant.
Coding change: c.884G>A on transcript NM_133497.4 (MANE Select); coding-DNA position 884, G replaced by A.
Protein change: p.Gly295Asp; replaces glycine 295 with aspartic acid.
Molecular consequence: missense variant.
Genome position (GRCh38, 1-based): chr9:2,718,623, G>A. VCF-style: chr9-2718623-G-A. GRCh37 (hg19) VCF-style: chr9-2718623-G-A.
Other names: short protein forms G295D.
Identifiers: ClinVar variation 1461009 (VCV001461009.8), dbSNP rs1413463889, ClinGen allele CA372799830.